The following is an entry in ClinVar:

NM_017799.4(TMEM260):c.136C>A (p.Pro46Thr)

Genes: TMEM260 (transmembrane protein 260; plus strand), LOC130055718 (ATAC-STARR-seq lymphoblastoid silent region 5790; plus strand). Cytogenetic location: 14q22.3.
Variant type: single nucleotide variant.
Coding change: c.136C>A on transcript NM_017799.4 (MANE Select); coding-DNA position 136, C replaced by A.
Protein change: p.Pro46Thr; replaces proline 46 with threonine.
Molecular consequence: missense variant.
Genome position (GRCh38, 1-based): chr14:56,580,050, C>A. VCF-style: chr14-56580050-C-A. GRCh37 (hg19) VCF-style: chr14-57046768-C-A.
Other names: short protein forms P46T.
Identifiers: ClinVar variation 3038953 (VCV003038953.2), dbSNP rs201059587, ClinGen allele CA7199606.

ClinVar aggregate classification (germline): Benign (0 of 4 stars; one submission).

Conditions:
TMEM260-related disorder. Also called: TMEM260-related condition.

Allele frequency attached by ClinVar (database versions not stated): 1000 Genomes Project 0.00160; 1000 Genomes Project 30x 0.00187; ExAC 0.00321.
gnomAD v4.1: 291 of 1,251,934 alleles (0.023%); highest among the groups gnomAD compares: East Asian, 0.74%; 1 homozygote.

Submission:

PreventionGenetics, part of Exact Sciences
Classification: Benign for TMEM260-related condition. Last evaluated: 2023-05-16. Review status: no assertion criteria provided. Collection method: clinical testing. Allele origin: germline.
Comment: This variant is classified as benign based on ACMG/AMP sequence variant interpretation guidelines (Richards et al. 2015 PMID: 25741868, with internal and published modifications).